The following is an entry in ClinVar:

ClinVar aggregate classification (germline): Conflicting classifications of pathogenicity. Review status: criteria provided, conflicting classifications (1 of 4 stars). 6 submissions from 6 submitters: Uncertain significance (1); Likely benign (5). Last evaluated 2026-01-26.

Conditions:
MCM3AP-related disorder. Also called: MCM3AP-related condition.

Allele frequency attached by ClinVar (database versions not stated): 1000 Genomes Project 0.00080; 1000 Genomes Project 30x 0.00109; gnomAD 0.00151 and 0.00162; TOPMed 0.00153; ExAC 0.00162; gnomAD exomes 0.00166 and 0.00278; ESP Exome Variant Server 0.00277.
gnomAD v4.1: 4,246 of 1,614,114 alleles (0.26%); highest among the groups gnomAD compares: Non-Finnish European, 0.34%; 5 homozygotes.

Submissions (6):

Labcorp Genetics (formerly Invitae), Labcorp
Classification: Likely benign. Last evaluated: 2026-01-26. Review status: criteria provided, single submitter. Criteria: Invitae Variant Classification Sherloc (09022015). Collection method: clinical testing. Allele origin: germline.

Women's Health and Genetics/Laboratory Corporation of America, LabCorp
Classification: Likely benign. Last evaluated: 2025-12-10. Review status: criteria provided, single submitter. Criteria: LabCorp Variant Classification Summary - May 2015. Collection method: clinical testing. Allele origin: germline.
Comment: Variant summary: MCM3AP c.1267A>G (p.Thr423Ala) results in a non-conservative amino acid change in the encoded protein sequence. Algorithms developed to predict the effect of missense changes on protein structure and function are either unavailable or do not agree on the potential impact of this missense change. The variant allele was found at a frequency of 0.0017 in 251482 control chromosomes, predominantly at a frequency of 0.0032 within the Non-Finnish European subpopulation in the gnomAD database. The observed variant frequency within Non-Finnish European control individuals in the gnomAD database exceeds the estimated maximal expected allele frequency for disease-causing variants in MCM3AP. To our knowledge, no occurrence of c.1267A>G in individuals affected with MCM3AP-related conditions and no experimental evidence demonstrating its impact on protein function have been reported. ClinVar contains an entry for this variant (Variation ID: 1320934). Based on the evidence outlined above, the variant was classified as likely benign.

CeGaT Center for Human Genetics Tuebingen
Classification: Likely benign. Last evaluated: 2025-07-01. Review status: criteria provided, single submitter. Criteria: CeGaT Center For Human Genetics Tuebingen Variant Classification Criteria Version 2. Collection method: clinical testing. Allele origin: germline. Affected: yes. Observed: 5 variant alleles.
Comment: MCM3AP: BP4, BS2

PreventionGenetics, part of Exact Sciences
Classification: Likely benign for MCM3AP-related condition. Last evaluated: 2025-06-16. Review status: criteria provided, single submitter. Criteria: ACMG Guidelines, 2015. Collection method: clinical testing. Allele origin: germline.
Comment: This variant is classified as likely benign based on ACMG/AMP sequence variant interpretation guidelines (Richards et al. 2015 PMID: 25741868, with internal and published modifications).

Mayo Clinic Laboratories, Mayo Clinic
Classification: Likely benign. Last evaluated: 2025-03-18. Review status: criteria provided, single submitter. Criteria: ACMG Guidelines, 2015. Collection method: clinical testing. Allele origin: germline. Observed: 8 variant alleles.
Comment: BS2, BP4_moderate

GeneDx
Classification: Uncertain significance. Last evaluated: 2021-04-26. Review status: criteria provided, single submitter. Criteria: GeneDx Variant Classification Process June 2021. Collection method: clinical testing. Allele origin: germline. Affected: yes.
Comment: Has not been previously published as pathogenic or benign to our knowledge; In silico analysis supports that this missense variant does not alter protein structure/function

NM_003906.5(MCM3AP):c.1267A>G (p.Thr423Ala)

Gene: MCM3AP (minichromosome maintenance complex component 3 associated protein; minus strand). Cytogenetic location: 21q22.3.
Variant type: single nucleotide variant.
Coding change: c.1267A>G on transcript NM_003906.5 (MANE Select); coding-DNA position 1267, A replaced by G.
Protein change: p.Thr423Ala; replaces threonine 423 with alanine.
Molecular consequence: missense variant.
Genome position (GRCh38, 1-based): chr21:46,283,791, T>C on the plus strand (A>G on the coding strand, the complement: MCM3AP is on the minus strand). VCF-style: chr21-46283791-T-C. GRCh37 (hg19) VCF-style: chr21-47703705-T-C.
Other names: p.Thr423Ala; short protein forms T423A.
Identifiers: ClinVar variation 1320934 (VCV001320934.40), dbSNP rs144151494, ClinGen allele CA10077130.